The following is an entry in ClinVar:

ClinVar aggregate classification (germline): Uncertain significance (1 of 4 stars; one submission).

Submission:

Dasa
Classification: Uncertain significance. Last evaluated: 2026-05-20. Review status: criteria provided, single submitter. Criteria: DASA Assertion Criteria. Collection method: clinical testing. Allele origin: germline.
Comment: NM_001282650.2(SLC35A2):c.94G>A (p.Glu32Lys) is a missense variant that results in the substitution of glutamic acid with lysine. This variant is absent from population databases. Computational prediction algorithms are consistent with a benign effect. The currently available literature and clinical evidence are not sufficient to establish a definitive association between this variant and the reported condition. Therefore, this variant is classified as a variant of uncertain significance.

NM_005660.3(SLC35A2):c.91+3G>A

Gene: SLC35A2 (solute carrier family 35 member A2; minus strand). Cytogenetic location: Xp11.23.
Variant type: single nucleotide variant.
Coding change: c.91+3G>A on transcript NM_005660.3 (MANE Select); 3 bases into the intron after coding-DNA position 91, G replaced by A.
Molecular consequence: intron variant. On other transcripts: missense variant (1).
Genome position (GRCh38, 1-based): chrX:48,911,543, C>T on the plus strand (G>A on the coding strand, the complement: SLC35A2 is on the minus strand). VCF-style: chrX-48911543-C-T. GRCh37 (hg19) VCF-style: chrX-48768820-C-T.
Other names: c.94G>A, p.Glu32Lys (NM_001282650.2); c.91+3G>A (NM_001282649.2, NM_001282647.2, NM_001042498.3 and 2 more transcripts); c.19+316G>A (NM_001282648.2); short protein forms E32K.
Identifiers: ClinVar variation 5020525 (VCV005020525.1).
Genomic context (GRCh38, chrX:48,911,543, plus strand): 5'-TTCCCGACTCCCAGCGATCCCGACCTCCGCCTCCCATGCGACTGCTCGGGCAGACTGTCT[C>T]ACCCGCACTGGCGGTCCCCGGCTCCAATGCACCCGCGGAAACCGCCCCTGGCCCGGGCGC-3'